The following is an entry in ClinVar:

ClinVar aggregate classification (germline): Conflicting classifications of pathogenicity. Review status: criteria provided, conflicting classifications (1 of 4 stars). 3 submissions from 3 submitters: Pathogenic (1); Uncertain significance (2). Last evaluated 2025-05-28.

Conditions:
Inborn genetic diseases. Identifiers: MedGen C0950123, MeSH D030342.
Cornelia de Lange syndrome 5 (CDLS5). Also called: HDAC8-Related Cornelia de Lange Syndrome. Identifiers: Orphanet 199, MedGen C3550903, MONDO:0010471, OMIM 300882.

Submissions (3):

3billion
Classification: Uncertain significance for Cornelia de Lange syndrome 5. Last evaluated: 2025-05-28. Review status: criteria provided, single submitter. Criteria: ACMG Guidelines, 2015. Collection method: clinical testing. Allele origin: germline. Affected: yes.
Comment: The variant is not observed in the gnomAD v4.1.0 dataset. Predicted Consequence/Location: Missense variant In silico tool predictions suggest damaging effect of the variant on gene or gene product [REVEL: 0.93 (>=0.6, sensitivity 0.68 and specificity 0.92); 3Cnet: 0.93 (> 0.75, sensitivity 0.96 and precision 0.92)]. The same nucleotide change resulting in the same amino acid change has been previously reported to be associated with HDAC8-related disorder (ClinVar ID: VCV000235479). A different missense change at the same codon (p.Gly139Arg) has been reported to be associated with HDAC8-related disorder (ClinVar ID: VCV001064767). Therefore, this variant is classified as VUS according to the recommendation of ACMG/AMP guideline.

Center for Pediatric Genomic Medicine, Children's Mercy Hospital and Clinics
Classification: Uncertain significance. Last evaluated: 2016-05-11. Review status: criteria provided, single submitter. Criteria: ACMG Guidelines, 2015. Collection method: clinical testing. Allele origin: germline.
ClinVar note: Converted during submission from Uncertain Significance to Uncertain significance.

Ambry Genetics
Classification: Pathogenic for Inborn genetic diseases. Last evaluated: 2015-11-18. Review status: criteria provided, single submitter. Criteria: Ambry exome assertion method (8-5-2015). Collection method: clinical testing. Allele origin: germline. Affected: yes. Observed: 1 variant allele.

NM_018486.3(HDAC8):c.416G>C (p.Gly139Ala)

Gene: HDAC8 (histone deacetylase 8; minus strand). Cytogenetic location: Xq13.1.
Variant type: single nucleotide variant.
Coding change: c.416G>C on transcript NM_018486.3 (MANE Select); coding-DNA position 416, G replaced by C.
Protein change: p.Gly139Ala; replaces glycine 139 with alanine.
Molecular consequence: missense variant. On other transcripts: intron variant (2).
Genome position (GRCh38, 1-based): chrX:72,567,910, C>G on the plus strand (G>C on the coding strand, the complement: HDAC8 is on the minus strand). VCF-style: chrX-72567910-C-G. GRCh37 (hg19) VCF-style: chrX-71787760-C-G.
Other names: c.416G>C, p.Gly139Ala (NM_001166419.2, NM_001166420.2, NM_001166422.2); c.164+4147G>C (NM_001166418.2, NM_001166448.2); short protein forms G139A.
Identifiers: ClinVar variation 235479 (VCV000235479.7), dbSNP rs878853048, ClinGen allele CA10581325.